The following is an entry in ClinVar:

NM_004380.3(CREBBP):c.1915G>T (p.Asp639Tyr)

Gene: CREBBP (CREB binding lysine acetyltransferase; minus strand). Cytogenetic location: 16p13.3.
Variant type: single nucleotide variant.
Coding change: c.1915G>T on transcript NM_004380.3 (MANE Select); coding-DNA position 1915, G replaced by T.
Protein change: p.Asp639Tyr; replaces aspartic acid 639 with tyrosine.
Molecular consequence: missense variant.
Genome position (GRCh38, 1-based): chr16:3,778,726, C>A on the plus strand (G>T on the coding strand, the complement: CREBBP is on the minus strand). VCF-style: chr16-3778726-C-A. GRCh37 (hg19) VCF-style: chr16-3828727-C-A.
Other names: c.1801G>T, p.Asp601Tyr (NM_001079846.1); short protein forms D601Y, D639Y.
Identifiers: ClinVar variation 3720974 (VCV003720974.3).

ClinVar aggregate classification (germline): Uncertain significance (1 of 4 stars; one submission).

Conditions:
Rubinstein-Taybi syndrome (RSTS). Identifiers: Orphanet 783, MedGen C0035934, MONDO:0019188.

gnomAD v4.1: 1 of 1,613,880 alleles (0.000062%); highest among the groups gnomAD compares: Non-Finnish European, 0.000085%; no homozygotes.

Submissions (2):

Labcorp Genetics (formerly Invitae), Labcorp
Classification: Uncertain significance for Rubinstein-Taybi syndrome. Last evaluated: 2024-11-30. Review status: criteria provided, single submitter. Criteria: Invitae Variant Classification Sherloc (09022015). Collection method: clinical testing. Allele origin: germline.
Comment: This sequence change replaces aspartic acid, which is acidic and polar, with tyrosine, which is neutral and polar, at codon 639 of the CREBBP protein (p.Asp639Tyr). This variant is not present in population databases (gnomAD no frequency). This variant has not been reported in the literature in individuals affected with CREBBP-related conditions. Invitae Evidence Modeling of protein sequence and biophysical properties (such as structural, functional, and spatial information, amino acid conservation, physicochemical variation, residue mobility, and thermodynamic stability) has been performed for this missense variant. However, the output from this modeling did not meet the statistical confidence thresholds required to predict the impact of this variant on CREBBP protein function. In summary, the available evidence is currently insufficient to determine the role of this variant in disease. Therefore, it has been classified as a Variant of Uncertain Significance.

Dr. Peter K. Rogan Lab, Western University
No classification provided (evidence only). Condition: Ovarian serous cystadenocarcinoma. Review status: no classification provided. Collection method: in vitro. Allele origin: not applicable. Functional consequence: retained intron. Not counted in ClinVar's aggregate classification.